The following is an entry in ClinVar:

ClinVar aggregate classification (germline): Uncertain significance. Review status: criteria provided, multiple submitters, no conflicts (2 of 4 stars). 4 submissions from 4 submitters: Uncertain significance (3). 1 of the submissions does not count toward it. Last evaluated 2024-01-23.

Conditions:
Usher syndrome type 1 (USH1). Also called: RETINITIS PIGMENTOSA AND CONGENITAL DEAFNESS. Identifiers: Orphanet 231169, Orphanet 886, MedGen C1568247, MONDO:0010168, OMIM 276900.
Usher syndrome type 1F (USH1F). Also called: USHER SYNDROME, TYPE IF. Identifiers: Orphanet 231169, Orphanet 886, MedGen C1865885, MONDO:0011186, OMIM 602083.

Allele frequency attached by ClinVar (database versions not stated): gnomAD exomes 0.00001; ExAC 0.00002; TOPMed 0.00006; gnomAD 0.00008 and 0.00009.
gnomAD v4.1: 18 of 1,613,770 alleles (0.0011%); highest among the groups gnomAD compares: African/African-American, 0.02%; no homozygotes.

Submissions (4):

Labcorp Genetics (formerly Invitae), Labcorp
Classification: Uncertain significance. Last evaluated: 2024-01-23. Review status: criteria provided, single submitter. Criteria: Invitae Variant Classification Sherloc (09022015). Collection method: clinical testing. Allele origin: germline.
Comment: This sequence change replaces lysine, which is basic and polar, with asparagine, which is neutral and polar, at codon 941 of the PCDH15 protein (p.Lys941Asn). The frequency data for this variant in the population databases is considered unreliable, as metrics indicate poor data quality at this position in the gnomAD database. This variant has not been reported in the literature in individuals affected with PCDH15-related conditions. ClinVar contains an entry for this variant (Variation ID: 300184). Advanced modeling of protein sequence and biophysical properties (such as structural, functional, and spatial information, amino acid conservation, physicochemical variation, residue mobility, and thermodynamic stability) performed at Invitae indicates that this missense variant is expected to disrupt PCDH15 protein function with a positive predictive value of 80%. In summary, the available evidence is currently insufficient to determine the role of this variant in disease. Therefore, it has been classified as a Variant of Uncertain Significance.

Laboratory for Molecular Medicine, Mass General Brigham Personalized Medicine
Classification: Uncertain significance. Last evaluated: 2018-08-08. Review status: criteria provided, single submitter. Criteria: LMM Criteria. Collection method: clinical testing. Allele origin: germline. Observed: 1 variant allele.
Comment: The p.Lys941Asn variant in PCDH15 has not been previously reported in individual s with hearing loss or Usher syndrome but has been identified in 0.03% (3/8728) of African chromosomes by the Genome Aggregation Database (gnomAD .). This variant has also been reported in ClinVar (Variation ID 300184). Computational prediction tools and conservation analysis suggest tha t the p.Lys941Asn variant may impact the protein, though this information is not predictive enough to determine pathogenicity. In summary, the clinical signific ance of the p.Lys941Asn variant is uncertain. ACMG/AMP Criteria applied: PP3, PM 2_Supporting.

Illumina Laboratory Services, Illumina
Classification: Uncertain significance for Usher syndrome type 1. Last evaluated: 2018-01-13. Review status: criteria provided, single submitter. Criteria: ICSL Variant Classification Criteria 13 December 2019. Collection method: clinical testing. Allele origin: germline.

Natera, Inc.
Classification: Uncertain significance for Usher syndrome type 1F. Last evaluated: 2020-08-07. Review status: no assertion criteria provided. Collection method: clinical testing. Allele origin: germline. Not counted in ClinVar's aggregate classification.

NM_001384140.1(PCDH15):c.2823G>T (p.Lys941Asn)

Gene: PCDH15 (protocadherin related 15; minus strand). Cytogenetic location: 10q21.1.
Variant type: single nucleotide variant.
Coding change: c.2823G>T on transcript NM_001384140.1 (MANE Select); coding-DNA position 2823, G replaced by T.
Protein change: p.Lys941Asn; replaces lysine 941 with asparagine.
Molecular consequence: missense variant.
Genome position (GRCh38, 1-based): chr10:53,995,694, C>A on the plus strand (G>T on the coding strand, the complement: PCDH15 is on the minus strand). VCF-style: chr10-53995694-C-A. GRCh37 (hg19) VCF-style: chr10-55755454-C-A.
Other names: c.2838G>T, p.Lys946Asn (NM_001142763.2, NM_001142771.2); c.2823G>T, p.Lys941Asn (NM_001142764.2, NM_001142766.2, NM_001142770.3 and 5 more transcripts); c.2610G>T, p.Lys870Asn (NM_001142765.2); c.2712G>T, p.Lys904Asn (NM_001142767.2); c.2757G>T, p.Lys919Asn (NM_001142768.2, NM_001142773.2, NM_001354404.2); c.2859G>T, p.Lys953Asn (NM_001142769.4); c.2844G>T, p.Lys948Asn (NM_001354411.2); short protein forms K941N, K904N, K948N, K953N, K946N, K870N, K919N.
Identifiers: ClinVar variation 300184 (VCV000300184.15), dbSNP rs773599066, ClinGen allele CA5505918.